The following is an entry in ClinVar:

NM_003816.3(ADAM9):c.2211-12T>A

Gene: ADAM9 (ADAM metallopeptidase domain 9; plus strand). Cytogenetic location: 8p11.22.
Variant type: single nucleotide variant.
Coding change: c.2211-12T>A on transcript NM_003816.3 (MANE Select); 12 bases into the intron before coding-DNA position 2211, T replaced by A.
Molecular consequence: intron variant.
Genome position (GRCh38, 1-based): chr8:39,091,247, T>A. VCF-style: chr8-39091247-T-A. GRCh37 (hg19) VCF-style: chr8-38948766-T-A.
Identifiers: ClinVar variation 2005074 (VCV002005074.4), dbSNP rs1222089106, ClinGen allele CA2580078258.

ClinVar aggregate classification (germline): Uncertain significance (1 of 4 stars; one submission).

Submission:

Labcorp Genetics (formerly Invitae), Labcorp
Classification: Uncertain significance. Last evaluated: 2024-01-19. Review status: criteria provided, single submitter. Criteria: Invitae Variant Classification Sherloc (09022015). Collection method: clinical testing. Allele origin: germline.
Comment: This sequence change falls in intron 19 of the ADAM9 gene. It does not directly change the encoded amino acid sequence of the ADAM9 protein. This variant is not present in population databases (gnomAD no frequency). This variant has not been reported in the literature in individuals affected with ADAM9-related conditions. ClinVar contains an entry for this variant (Variation ID: 2005074). Algorithms developed to predict the effect of sequence changes on RNA splicing suggest that this variant may disrupt the consensus splice site. In summary, the available evidence is currently insufficient to determine the role of this variant in disease. Therefore, it has been classified as a Variant of Uncertain Significance.